The following is an entry in ClinVar:

NM_000435.3(NOTCH3):c.1247T>A (p.Leu416Gln)

Gene: NOTCH3 (notch receptor 3; minus strand). Cytogenetic location: 19p13.12.
Variant type: single nucleotide variant.
Coding change: c.1247T>A on transcript NM_000435.3 (MANE Select); coding-DNA position 1247, T replaced by A.
Protein change: p.Leu416Gln; replaces leucine 416 with glutamine.
Molecular consequence: missense variant.
Genome position (GRCh38, 1-based): chr19:15,189,120, A>T on the plus strand (T>A on the coding strand, the complement: NOTCH3 is on the minus strand). VCF-style: chr19-15189120-A-T. GRCh37 (hg19) VCF-style: chr19-15299931-A-T.
Other names: short protein forms L416Q.
Identifiers: ClinVar variation 1049144 (VCV001049144.3), dbSNP rs749874158, ClinGen allele CA9263666.

ClinVar aggregate classification (germline): Uncertain significance. Review status: criteria provided, multiple submitters, no conflicts (2 of 4 stars). 3 submissions from 3 submitters: Uncertain significance (2). 1 of the submissions does not count toward it. Last evaluated 2024-09-02.

Conditions:
Cerebral arteriopathy, autosomal dominant, with subcortical infarcts and leukoencephalopathy, type 1 (CADASIL1). Also called: DEMENTIA, HEREDITARY MULTIINFARCT TYPE; CADASIL 1; CASIL; Cerebral arteriopathy with subcortical infarcts and leukoencephalopathy 1. Identifiers: Orphanet 136, MedGen C4551768, MONDO:0000914, OMIM 125310.

Allele frequency attached by ClinVar (database versions not stated): gnomAD exomes below 0.00001; gnomAD 0.00002; ExAC 0.00001; TOPMed 0.00002.
gnomAD v4.1: 4 of 1,613,262 alleles (0.00025%); highest among the groups gnomAD compares: Non-Finnish European, 0.00034%; no homozygotes.

Submissions (3):

Clinical Genomics Laboratory, Washington University in St. Louis
Classification: Uncertain significance for Cerebral arteriopathy, autosomal dominant, with subcortical infarcts and leukoencephalopathy, type 1. Last evaluated: 2024-09-02. Review status: criteria provided, single submitter. Criteria: ACMG Guidelines, 2015. Collection method: clinical testing. Allele origin: germline.
Comment: The NOTCH3 c.1247T>A (p.Leu416Gln) variant, to our knowledge, has not been reported in the medical literature. This variant is only observed on 1/250,688 alleles in the general population (gnomAD v.2.1.1), indicating it is not a common variant. This variant resides within the EGF-like domain 10, amino acids 391-429. Computational predictors suggest that the variant does not impact NOTCH3 function. This variant has been reported in the ClinVar database as a germline variant of uncertain significance by two submitters. Due to limited information, and based on ACMG/AMP guidelines for variant interpretation (Richards S et al., PMID: 25741868), the clinical significance of this variant is uncertain at this time.

Institute for Clinical Genetics, University Hospital TU Dresden, University Hospital TU Dresden
Classification: Uncertain significance. Last evaluated: 2021-11-15. Review status: criteria provided, single submitter. Criteria: ACMG Guidelines, 2015. Collection method: clinical testing. Allele origin: germline.
Comment: PM2_SUP

Department of Pathology and Laboratory Medicine, Sinai Health System
Classification: Uncertain significance. Review status: no assertion criteria provided. Collection method: clinical testing. Allele origin: unknown. Affected: yes. Study: The Canadian Open Genetics Repository (COGR). Not counted in ClinVar's aggregate classification.
Comment: The NOTCH3 p.Leu416Gln variant was not identified in the literature nor was it identified in ClinVar. The variant was identified in dbSNP (ID: rs749874158) and in control databases in 1 of 250688 chromosomes at a frequency of 0.000003989 (Genome Aggregation Database March 6, 2019, v2.1.1). The variant was observed in the European (non-Finnish) population in 1 of 113128 chromosomes (freq: 0.000009), but was not observed in the African, Latino, Ashkenazi Jewish, East Asian, European (Finnish), Other, or South Asian populations. The p.Leu416 residue is conserved in mammals and computational analyses (PolyPhen-2, SIFT, AlignGVGD, BLOSUM, MutationTaster) provide inconsistent predictions regarding the impact to the protein; this information is not very predictive of pathogenicity. The variant occurs outside of the splicing consensus sequence and 3 of 4 in silico or computational prediction software programs (SpliceSiteFinder, MaxEntScan, NNSPLICE, GeneSplicer) predict a greater than 10% difference in splicing. However, this has not been confirmed by RNA analysis and is not predictive enough to assume pathogenicity. In summary, based on the above information the clinical significance of this variant cannot be determined with certainty at this time. This variant is classified as a variant of uncertain significance.